The following is an entry in ClinVar:

NM_001376.5(DYNC1H1):c.5907G>A (p.Ser1969=)

Gene: DYNC1H1 (dynein cytoplasmic 1 heavy chain 1; plus strand). Cytogenetic location: 14q32.31.
Variant type: single nucleotide variant.
Coding change: c.5907G>A on transcript NM_001376.5 (MANE Select); coding-DNA position 5907, G replaced by A.
Protein change: p.Ser1969=; no amino-acid change (serine 1969 retained).
Molecular consequence: synonymous variant.
Genome position (GRCh38, 1-based): chr14:102,008,267, G>A. VCF-style: chr14-102008267-G-A. GRCh37 (hg19) VCF-style: chr14-102474604-G-A.
Other names: c.5907G>A (NM_001376.4).
Identifiers: ClinVar variation 1298598 (VCV001298598.41), dbSNP rs758999145, ClinGen allele CA7352506.

ClinVar aggregate classification (germline): Likely benign. Review status: criteria provided, multiple submitters, no conflicts (2 of 4 stars). 3 submissions from 3 submitters: Likely benign (3). Last evaluated 2025-10-23.

Conditions:
Charcot-Marie-Tooth disease axonal type 2O. Also called: CHARCOT-MARIE-TOOTH NEUROPATHY, AXONAL, TYPE 2O; CHARCOT-MARIE-TOOTH DISEASE, AXONAL, AUTOSOMAL DOMINANT, TYPE 2O; Charcot-Marie-Tooth Neuropathy Type 2O; Charcot-Marie-Tooth disease, axonal, type 20. Identifiers: Orphanet 284232, MedGen C3280220, MONDO:0013644, OMIM 614228.
DYNC1H1-related disorder. Also called: DYNC1H1-related condition; DYNC1H1-related disorders. Identifiers: MedGen CN381529.

Allele frequency attached by ClinVar (database versions not stated): gnomAD 0.00001; gnomAD exomes 0.00002; ExAC 0.00003.
gnomAD v4.1: 44 of 1,614,024 alleles (0.0027%); highest among the groups gnomAD compares: Middle Eastern, 0.066%; no homozygotes.

Submissions (3):

Labcorp Genetics (formerly Invitae), Labcorp
Classification: Likely benign for Charcot-Marie-Tooth disease axonal type 2O. Last evaluated: 2025-10-23. Review status: criteria provided, single submitter. Criteria: Invitae Variant Classification Sherloc (09022015). Collection method: clinical testing. Allele origin: germline.

PreventionGenetics, part of Exact Sciences
Classification: Likely benign for DYNC1H1-related condition. Last evaluated: 2025-02-28. Review status: criteria provided, single submitter. Criteria: ACMG Guidelines, 2015. Collection method: clinical testing. Allele origin: germline.
Comment: This variant is classified as likely benign based on ACMG/AMP sequence variant interpretation guidelines (Richards et al. 2015 PMID: 25741868, with internal and published modifications).

CeGaT Center for Human Genetics Tuebingen
Classification: Likely benign. Last evaluated: 2021-07-01. Review status: criteria provided, single submitter. Criteria: CeGaT Center For Human Genetics Tuebingen Variant Classification Criteria Version 2. Collection method: clinical testing. Allele origin: germline. Affected: yes. Observed: 1 variant allele.